The following is an entry in ClinVar:

ClinVar aggregate classification (germline): Likely benign. Review status: criteria provided, single submitter (1 of 4 stars). 2 submissions from 2 submitters: Likely benign (1). 1 of the submissions does not count toward it. Last evaluated 2019-10-07.

Conditions:
RDX-related disorder. Also called: RDX-related condition.

Submissions (2):

GeneDx
Classification: Likely benign. Last evaluated: 2019-10-07. Review status: criteria provided, single submitter. Criteria: GeneDx Variant Classification Process June 2021. Collection method: clinical testing. Allele origin: germline. Affected: yes.

PreventionGenetics, part of Exact Sciences
Classification: Likely benign for RDX-related condition. Last evaluated: 2022-10-22. Review status: no assertion criteria provided. Collection method: clinical testing. Allele origin: germline. Not counted in ClinVar's aggregate classification.
Comment: This variant is classified as likely benign based on ACMG/AMP sequence variant interpretation guidelines (Richards et al. 2015 PMID: 25741868, with internal and published modifications).

NM_002906.4(RDX):c.471A>T (p.Val157=)

Gene: RDX (radixin; minus strand). Cytogenetic location: 11q22.3.
Variant type: single nucleotide variant.
Coding change: c.471A>T on transcript NM_002906.4 (MANE Select); coding-DNA position 471, A replaced by T.
Protein change: p.Val157=; no amino-acid change (valine 157 retained).
Molecular consequence: synonymous variant. On other transcripts: intron variant (1).
Genome position (GRCh38, 1-based): chr11:110,258,186, T>A on the plus strand (A>T on the coding strand, the complement: RDX is on the minus strand). VCF-style: chr11-110258186-T-A. GRCh37 (hg19) VCF-style: chr11-110128911-T-A.
Other names: c.471A>T, p.Val157= (NM_001260492.2, NM_001260493.2); c.63A>T, p.Val21= (NM_001260494.2); c.375A>T, p.Val125= (NM_001260496.2); c.-82-10353A>T (NM_001260495.2).
Identifiers: ClinVar variation 1204034 (VCV001204034.5), dbSNP rs376917034, ClinGen allele CA6270296.
Genomic context (GRCh38, chr11:110,258,186, plus strand): 5'-TTCATGCCAGTTCTGTATTCTTTCTTCCCACTGTTCTTTTGTTAGTTTGTGTTGTTCCAA[T>A]ACACTAAGAGGACCAAAAAAAAAAAAAAATTATAATGACTTTAAGATTCAAAAGCATACA-3'
Protein context (NP_002897.1, residues 147-167): LANDRLLPQR[Val157=]LEQHKLTKEQ